The following is an entry in ClinVar:

ClinVar aggregate classification (germline): Pathogenic (1 of 4 stars; one submission).

Submission:

Labcorp Genetics (formerly Invitae), Labcorp
Classification: Pathogenic. Last evaluated: 2019-02-02. Review status: criteria provided, single submitter. Criteria: Invitae Variant Classification Sherloc (09022015). Collection method: clinical testing. Allele origin: germline.
Comment: For these reasons, this variant has been classified as Pathogenic. Loss-of-function variants in ARID1B are known to be pathogenic (PMID: 24674232, 25674384). This variant has not been reported in the literature in individuals with ARID1B-related conditions. This variant is not present in population databases (ExAC no frequency). This sequence change creates a premature translational stop signal (p.Gly572*) in the ARID1B gene. It is expected to result in an absent or disrupted protein product.

Literature cited by the submitters: PubMed 24674232; PubMed 25674384.

NM_001374828.1(ARID1B):c.1963G>T (p.Gly655Ter)

Gene: ARID1B (AT-rich interaction domain 1B; plus strand). Cytogenetic location: 6q25.3.
Variant type: single nucleotide variant.
Coding change: c.1963G>T on transcript NM_001374828.1 (MANE Select); coding-DNA position 1963, G replaced by T.
Protein change: p.Gly655Ter; replaces glycine 655 with a stop codon.
Molecular consequence: nonsense.
Genome position (GRCh38, 1-based): chr6:156,829,398, G>T. VCF-style: chr6-156829398-G-T. GRCh37 (hg19) VCF-style: chr6-157150532-G-T.
Other names: c.1963G>T, p.Gly655Ter (NM_001371656.1, NM_001374820.1, NM_017519.3); c.1714G>T (NM_020732.3); short protein forms G655*.
Identifiers: ClinVar variation 848230 (VCV000848230.7), dbSNP rs151093357, ClinGen allele CA366384688.